The following is an entry in ClinVar:

ClinVar aggregate classification (germline): Conflicting classifications of pathogenicity. Review status: criteria provided, conflicting classifications (1 of 4 stars). 3 submissions from 3 submitters: Uncertain significance (2); Likely benign (1). Last evaluated 2026-09-01.

Conditions:
TTN-related disorder. Also called: TTN-related condition; TTN-related disease; TTN-related disorders.

Allele frequency attached by ClinVar (database versions not stated): gnomAD exomes 0.00004; gnomAD 0.00038; ExAC 0.00063; 1000 Genomes Project 30x 0.00078; 1000 Genomes Project 0.00080.
gnomAD v4.1: 102 of 1,222,902 alleles (0.0083%); highest among the groups gnomAD compares: African/African-American, 0.15%; no homozygotes.

Submissions (3):

CeGaT Center for Human Genetics Tuebingen
Classification: Uncertain significance. Last evaluated: 2026-09-01. Review status: criteria provided, single submitter. Criteria: CeGaT Center For Human Genetics Tuebingen Variant Classification Criteria Version 2. Collection method: clinical testing. Allele origin: germline. Affected: yes. Observed: 1 variant allele.
Comment: TTN: PM2

PreventionGenetics, part of Exact Sciences
Classification: Uncertain significance for TTN-related condition. Last evaluated: 2026-04-21. Review status: criteria provided, single submitter. Criteria: ACMG Guidelines, 2015. Collection method: clinical testing. Allele origin: germline.
Comment: The TTN c.34345C>G variant is predicted to result in the amino acid substitution p.Pro11449Ala. To our knowledge, this variant has not been reported in the literature. This variant is reported in 0.056% of alleles in individuals of African descent in gnomAD. Although we suspect that this variant may be benign, at this time, the clinical significance of this variant is uncertain due to the absence of conclusive functional and genetic evidence.

Women's Health and Genetics/Laboratory Corporation of America, LabCorp
Classification: Likely benign. Last evaluated: 2024-02-26. Review status: criteria provided, single submitter. Criteria: LabCorp Variant Classification Summary - May 2015. Collection method: clinical testing. Allele origin: germline.

NM_001267550.2(TTN):c.34345C>G (p.Pro11449Ala)

Gene: TTN (titin; minus strand). Cytogenetic location: 2q31.2.
Variant type: single nucleotide variant.
Coding change: c.34345C>G on transcript NM_001267550.2 (MANE Select); coding-DNA position 34345, C replaced by G.
Protein change: p.Pro11449Ala; replaces proline 11449 with alanine.
Molecular consequence: missense variant. On other transcripts: intron variant (5).
Genome position (GRCh38, 1-based): chr2:178,677,234, G>C on the plus strand (C>G on the coding strand, the complement: TTN is on the minus strand). VCF-style: chr2-178677234-G-C. GRCh37 (hg19) VCF-style: chr2-179541961-G-C.
Other names: c.13283-34917C>G (NM_003319.4); c.13859-34917C>G (NM_133437.4); c.13658-34917C>G (NM_133432.3); c.30559+387C>G (NM_133378.4); c.33340+387C>G (NM_001256850.1); short protein forms P11449A.
Identifiers: ClinVar variation 3068804 (VCV003068804.3), dbSNP rs554835653, ClinGen allele CA1998090.